The following is an entry in ClinVar:

NM_005198.5(CHKB):c.467_468del (p.Gln156fs)

Genes: CHKB (choline kinase beta; minus strand), CHKB-CPT1B (CHKB-CPT1B readthrough (NMD candidate); minus strand). Cytogenetic location: 22q13.33.
Variant type: Deletion.
Coding change: c.467_468del on transcript NM_005198.5 (MANE Select); coding-DNA positions 467 to 468, 2 bases deleted (AA; older notation c.467_468delAA).
Protein change: p.Gln156fs; shifts the reading frame from glutamine 156.
Molecular consequence: frameshift variant. On other transcripts: non-coding transcript variant (1).
Genome position (GRCh38, 1-based): chr22:50,581,533-50,581,534, TT deleted on the plus strand (AA on the coding strand, the reverse complement: CHKB is on the minus strand). VCF-style (leftmost placement, unchanged base first): chr22-50581532-CTT-C. GRCh37 (hg19) VCF-style: chr22-51019961-CTT-C.
Other names: short protein forms Q156fs.
Identifiers: ClinVar variation 1691030 (VCV001691030.2), dbSNP rs2146656223, ClinGen allele CA515274454.

ClinVar aggregate classification (germline): Likely pathogenic (1 of 4 stars; one submission).

Submission:

Laboratorio de Genetica e Diagnostico Molecular, Hospital Israelita Albert Einstein
Classification: Likely pathogenic. Last evaluated: 2021-04-12. Review status: criteria provided, single submitter. Criteria: ACMG Guidelines, 2015. Collection method: clinical testing. Allele origin: germline. Affected: yes.
Comment: ACMG classification criteria: PVS1, PM2